The following is an entry in ClinVar:

NM_005228.5(EGFR):c.2526C>T (p.Asn842=)

Gene: EGFR (epidermal growth factor receptor; plus strand). Cytogenetic location: 7p11.2.
Variant type: single nucleotide variant.
Coding change: c.2526C>T on transcript NM_005228.5 (MANE Select); coding-DNA position 2526, C replaced by T.
Protein change: p.Asn842=; no amino-acid change (asparagine 842 retained).
Molecular consequence: synonymous variant.
Genome position (GRCh38, 1-based): chr7:55,191,775, C>T. VCF-style: chr7-55191775-C-T. GRCh37 (hg19) VCF-style: chr7-55259468-C-T.
Other names: c.2526C>T (NM_005228.3); c.2391C>T, p.Asn797= (NM_001346897.2, NM_001346899.2); c.2526C>T, p.Asn842= (NM_001346898.2); c.2367C>T, p.Asn789= (NM_001346900.2); c.1725C>T, p.Asn575= (NM_001346941.2).
Identifiers: ClinVar variation 1611528 (VCV001611528.10), dbSNP rs1554353252, ClinGen allele CA454965615.
Genomic context (GRCh38, chr7:55,191,775, plus strand): 5'-TCAGGGCATGAACTACTTGGAGGACCGTCGCTTGGTGCACCGCGACCTGGCAGCCAGGAA[C>T]GTACTGGTGAAAACACCGCAGCATGTCAAGATCACAGATTTTGGGCTGGCCAAACTGCTG-3'
Protein context (NP_005219.2, residues 832-852): RLVHRDLAAR[Asn842=]VLVKTPQHVK

ClinVar aggregate classification (germline): Benign/Likely benign. Review status: criteria provided, multiple submitters, no conflicts (2 of 4 stars). 3 submissions from 3 submitters: Benign (1); Likely benign (2). Last evaluated 2026-01-14.

Conditions:
Lung cancer. Also called: Malignant tumor of lung; Lung cancer, somatic. Identifiers: MedGen C0242379, MONDO:0008903, OMIM 211980.
Hereditary cancer-predisposing syndrome. Also called: Tumor predisposition; Hereditary Cancer Syndrome; Neoplastic Syndromes, Hereditary; Hereditary neoplastic syndrome. Identifiers: Orphanet 140162, MedGen C0027672, MeSH D009386, MONDO:0015356.
EGFR-related lung cancer (EGFR). Identifiers: MedGen CN130014.

Allele frequency attached by ClinVar (database versions not stated): TOPMed below 0.00001; gnomAD exomes 0.00001.
gnomAD v4.1: 18 of 1,614,038 alleles (0.0011%); highest among the groups gnomAD compares: Non-Finnish European, 0.0014%; no homozygotes.

Submissions (3):

Labcorp Genetics (formerly Invitae), Labcorp
Classification: Likely benign for EGFR-related lung cancer. Last evaluated: 2026-01-14. Review status: criteria provided, single submitter. Criteria: Invitae Variant Classification Sherloc (09022015). Collection method: clinical testing. Allele origin: germline.

Ambry Genetics
Classification: Likely benign for Hereditary cancer-predisposing syndrome. Last evaluated: 2025-01-31. Review status: criteria provided, single submitter. Criteria: Ambry Variant Classification Scheme 2023. Collection method: clinical testing. Allele origin: germline.

Myriad Genetics, Inc.
Classification: Benign for Lung cancer. Last evaluated: 2024-10-17. Review status: criteria provided, single submitter. Criteria: Myriad Autosomal Dominant, Autosomal Recessive and X-Linked Classification Criteria (2023). Collection method: clinical testing. Allele origin: unknown.
Comment: This variant is considered benign. This variant is a silent/synonymous amino acid change and it is not expected to impact splicing.